The following is an entry in ClinVar:

ClinVar aggregate classification (germline): Likely benign (1 of 4 stars; one submission).

Allele frequency attached by ClinVar (database versions not stated): gnomAD 0.00970 and 0.01029; TOPMed 0.01128; 1000 Genomes Project 0.01138; 1000 Genomes Project 30x 0.01234.
gnomAD v4.1: 1,458 of 152,226 alleles (0.96%); highest among the groups gnomAD compares: African/African-American, 3.3%; 23 homozygotes.

Submission:

GeneDx
Classification: Likely benign. Last evaluated: 2021-05-20. Review status: criteria provided, single submitter. Criteria: GeneDx Variant Classification Process June 2021. Collection method: clinical testing. Allele origin: germline. Affected: yes.
Comment: See Variant Classification Assertion Criteria.

NM_001374736.1(DST):c.1778+200G>A

Gene: DST (dystonin; minus strand). Cytogenetic location: 6p12.1.
Variant type: single nucleotide variant.
Coding change: c.1778+200G>A on transcript NM_001374736.1 (MANE Select); 200 bases into the intron after coding-DNA position 1778, G replaced by A.
Molecular consequence: intron variant.
Genome position (GRCh38, 1-based): chr6:56,645,666, C>T on the plus strand (G>A on the coding strand, the complement: DST is on the minus strand). VCF-style: chr6-56645666-C-T. GRCh37 (hg19) VCF-style: chr6-56510464-C-T.
Other names: c.1679+200G>A (NM_001144769.5); c.1778+200G>A (NM_001374722.1); c.1805+200G>A (NM_001374734.1); c.1265+200G>A (NM_001144770.2); c.1145+200G>A (NM_001374730.1, NM_001386100.1, NM_183380.4 and 1 more transcripts).
Identifiers: ClinVar variation 1683856 (VCV001683856.2), dbSNP rs7760094, ClinGen allele CA139693563.